The following is an entry in ClinVar:

ClinVar aggregate classification (germline): Pathogenic (1 of 4 stars; one submission).

Conditions:
Familial cancer of breast. Also called: Hereditary breast cancer; BREAST CANCER, FAMILIAL; hereditary breast carcinoma. Identifiers: Orphanet 227535, MedGen C0346153, MONDO:0016419, OMIM 114480. Disease mechanism: loss of function.

Submission:

Myriad Genetics, Inc.
Classification: Pathogenic for Familial cancer of breast. Last evaluated: 2023-01-17. Review status: criteria provided, single submitter. Criteria: Myriad Autosomal Dominant, Autosomal Recessive and X-Linked Classification Criteria (2023). Collection method: clinical testing. Allele origin: unknown.
Comment: This variant is considered pathogenic. This variant creates a frameshift predicted to result in premature protein truncation.

NM_000465.4(BARD1):c.2126dup (p.Asp710fs)

Gene: BARD1 (BRCA1 associated RING domain 1; minus strand). Cytogenetic location: 2q35.
Variant type: Duplication.
Coding change: c.2126dup on transcript NM_000465.4 (MANE Select); coding-DNA position 2126, one base duplicated (C; older notation c.2126dupC).
Protein change: p.Asp710fs; shifts the reading frame from aspartic acid 710.
Molecular consequence: frameshift variant. On other transcripts: non-coding transcript variant (3).
Genome position (GRCh38, 1-based): chr2:214,728,884, G duplicated on the plus strand (C on the coding strand, the reverse complement: BARD1 is on the minus strand); the first of 2 consecutive G bases (chr2:214,728,884-214,728,885); duplicating either gives the same sequence. VCF-style (leftmost placement, unchanged base first): chr2-214728883-T-TG. GRCh37 (hg19) VCF-style: chr2-215593607-T-TG.
Other names: c.2069dup, p.Asp691fs (NM_001282543.2); c.773dup, p.Asp259fs (NM_001282545.2); c.716dup, p.Asp240fs (NM_001282548.2); c.587dup, p.Asp197fs (NM_001282549.2); short protein forms D197fs, D240fs, D259fs, D691fs, D710fs.
Identifiers: ClinVar variation 2431257 (VCV002431257.1), dbSNP rs2469270108, ClinGen allele CA2580065632.